The following is an entry in ClinVar:

NM_033310.3(KCNK4):c.484G>T (p.Val162Leu)

Genes: KCNK4 (potassium two pore domain channel subfamily K member 4; plus strand), KCNK4-CATSPERZ (KCNK4-CATSPERZ readthrough (NMD candidate); plus strand). Cytogenetic location: 11q13.1.
Variant type: single nucleotide variant.
Coding change: c.484G>T on transcript NM_033310.3 (MANE Select); coding-DNA position 484, G replaced by T.
Protein change: p.Val162Leu; replaces valine 162 with leucine.
Molecular consequence: missense variant. On other transcripts: non-coding transcript variant (1).
Genome position (GRCh38, 1-based): chr11:64,297,476, G>T. VCF-style: chr11-64297476-G-T. GRCh37 (hg19) VCF-style: chr11-64064948-G-T.
Other names: c.484G>T, p.Val162Leu (NM_001317090.2); short protein forms V162L.
Identifiers: ClinVar variation 1481274 (VCV001481274.6), dbSNP rs1565369710, ClinGen allele CA381165408.

ClinVar aggregate classification (germline): Uncertain significance (1 of 4 stars; one submission).

gnomAD v4.1: 1 of 1,614,060 alleles (0.000062%); highest among the groups gnomAD compares: Non-Finnish European, 0.000085%; no homozygotes.

Submission:

Labcorp Genetics (formerly Invitae), Labcorp
Classification: Uncertain significance. Last evaluated: 2022-07-05. Review status: criteria provided, single submitter. Criteria: Invitae Variant Classification Sherloc (09022015). Collection method: clinical testing. Allele origin: germline.
Comment: In summary, the available evidence is currently insufficient to determine the role of this variant in disease. Therefore, it has been classified as a Variant of Uncertain Significance. Algorithms developed to predict the effect of missense changes on protein structure and function are either unavailable or do not agree on the potential impact of this missense change (SIFT: "Not Available"; PolyPhen-2: "Benign"; Align-GVGD: "Not Available"). ClinVar contains an entry for this variant (Variation ID: 1481274). This variant has not been reported in the literature in individuals affected with KCNK4-related conditions. This variant is not present in population databases (gnomAD no frequency). This sequence change replaces valine with leucine at codon 162 of the KCNK4 protein (p.Val162Leu). The valine residue is highly conserved and there is a small physicochemical difference between valine and leucine.